The following is an entry in ClinVar:

ClinVar aggregate classification (germline): Likely benign (0 of 4 stars; one submission).

Conditions:
SLC11A2-related disorder. Also called: SLC11A2-related condition.

Allele frequency attached by ClinVar (database versions not stated): gnomAD exomes below 0.00001.

Submission:

PreventionGenetics, part of Exact Sciences
Classification: Likely benign for SLC11A2-related condition. Last evaluated: 2019-02-28. Review status: no assertion criteria provided. Collection method: clinical testing. Allele origin: germline.
Comment: This variant is classified as likely benign based on ACMG/AMP sequence variant interpretation guidelines (Richards et al. 2015 PMID: 25741868, with internal and published modifications).

NM_000617.3(SLC11A2):c.535A>C (p.Arg179=)

Gene: SLC11A2 (solute carrier family 11 member 2; minus strand). Cytogenetic location: 12q13.12.
Variant type: single nucleotide variant.
Coding change: c.535A>C on transcript NM_000617.3 (MANE Select); coding-DNA position 535, A replaced by C.
Protein change: p.Arg179=; no amino-acid change (arginine 179 retained).
Molecular consequence: synonymous variant. On other transcripts: non-coding transcript variant (10).
Genome position (GRCh38, 1-based): chr12:51,000,314, T>G on the plus strand (A>C on the coding strand, the complement: SLC11A2 is on the minus strand). VCF-style: chr12-51000314-T-G. GRCh37 (hg19) VCF-style: chr12-51394097-T-G.
Other names: c.622A>C, p.Arg208= (NM_001174125.2, NM_001379446.1, NM_001379455.1); c.535A>C, p.Arg179= (NM_001174126.2, NM_001174127.2, NM_001174128.2 and 5 more transcripts); c.523A>C, p.Arg175= (NM_001174130.2, NM_001379448.1); c.424A>C, p.Arg142= (NM_001414747.1, NM_001414748.1); c.298A>C, p.Arg100= (NM_001414749.1, NM_001414750.1).
Identifiers: ClinVar variation 3057533 (VCV003057533.2), dbSNP rs1256809732, ClinGen allele CA479783323.